The following is an entry in ClinVar:

ClinVar aggregate classification (germline): Benign/Likely benign. Review status: criteria provided, multiple submitters, no conflicts (2 of 4 stars). 3 submissions from 3 submitters: Benign (1); Likely benign (2). Last evaluated 2024-07-29.

Conditions:
Familial cancer of breast. Also called: Hereditary breast cancer; BREAST CANCER, FAMILIAL; hereditary breast carcinoma. Identifiers: Orphanet 227535, MedGen C0346153, MONDO:0016419, OMIM 114480. Disease mechanism: loss of function.
Hereditary cancer-predisposing syndrome. Also called: Hereditary Cancer Syndrome; Neoplastic Syndromes, Hereditary; Hereditary neoplastic syndrome; Tumor predisposition. Identifiers: Orphanet 140162, MedGen C0027672, MeSH D009386, MONDO:0015356.

Allele frequency attached by ClinVar (database versions not stated): gnomAD exomes below 0.00001.
gnomAD v4.1: 3 of 1,614,028 alleles (0.00019%); highest among the groups gnomAD compares: South Asian, 0.0022%; no homozygotes.

Submissions (3):

Myriad Genetics, Inc.
Classification: Benign for Familial cancer of breast. Last evaluated: 2024-07-29. Review status: criteria provided, single submitter. Criteria: Myriad Autosomal Dominant, Autosomal Recessive and X-Linked Classification Criteria (2023). Collection method: clinical testing. Allele origin: unknown.
Comment: This variant is considered benign. This variant is a silent/synonymous amino acid change and it is not expected to impact splicing.

Ambry Genetics
Classification: Likely benign for Hereditary cancer-predisposing syndrome. Last evaluated: 2024-06-03. Review status: criteria provided, single submitter. Criteria: Ambry Variant Classification Scheme 2023. Collection method: clinical testing. Allele origin: germline.

Labcorp Genetics (formerly Invitae), Labcorp
Classification: Likely benign for Familial cancer of breast. Last evaluated: 2022-10-24. Review status: criteria provided, single submitter. Criteria: Invitae Variant Classification Sherloc (09022015). Collection method: clinical testing. Allele origin: germline.

NM_000465.4(BARD1):c.1932A>G (p.Val644=)

Gene: BARD1 (BRCA1 associated RING domain 1; minus strand). Cytogenetic location: 2q35.
Variant type: single nucleotide variant.
Coding change: c.1932A>G on transcript NM_000465.4 (MANE Select); coding-DNA position 1932, A replaced by G.
Protein change: p.Val644=; no amino-acid change (valine 644 retained).
Molecular consequence: synonymous variant. On other transcripts: non-coding transcript variant (3).
Genome position (GRCh38, 1-based): chr2:214,730,480, T>C on the plus strand (A>G on the coding strand, the complement: BARD1 is on the minus strand). VCF-style: chr2-214730480-T-C. GRCh37 (hg19) VCF-style: chr2-215595204-T-C.
Other names: c.1875A>G, p.Val625= (NM_001282543.2); c.579A>G, p.Val193= (NM_001282545.2); c.522A>G, p.Val174= (NM_001282548.2); c.393A>G, p.Val131= (NM_001282549.2); c.1932A>G (NM_000465.2).
Identifiers: ClinVar variation 2013907 (VCV002013907.6), dbSNP rs1274554835, ClinGen allele CA431139584.
Genomic context (GRCh38, chr2:214,730,480, plus strand): 5'-TCTGTTGAGCCTGCTTCTGCGTGGACCTTCAGGAATTTCATACTTTTCTTCCTGTTCACA[T>C]ACTTTTCTTCGTAGACATGCTTTTACCCCTGACAAAAACACAAGAATTAAAGCAAACTAA-3'
Protein context (NP_000456.2, residues 634-654): EWVKACLRRK[Val644=]CEQEEKYEIP